The following is an entry in ClinVar:

NM_001104631.2(PDE4D):c.671C>T (p.Thr224Ile)

Gene: PDE4D (phosphodiesterase 4D; minus strand). Cytogenetic location: 5q11.2.
Variant type: single nucleotide variant.
Coding change: c.671C>T on transcript NM_001104631.2 (MANE Select); coding-DNA position 671, C replaced by T.
Protein change: p.Thr224Ile; replaces threonine 224 with isoleucine.
Molecular consequence: missense variant. On other transcripts: 5 prime UTR variant (3).
Genome position (GRCh38, 1-based): chr5:59,193,513, G>A on the plus strand (C>T on the coding strand, the complement: PDE4D is on the minus strand). VCF-style: chr5-59193513-G-A. GRCh37 (hg19) VCF-style: chr5-58489339-G-A.
Other names: c.488C>T, p.Thr163Ile (NM_001165899.2, NM_001364599.1, NM_001364600.2); c.479C>T, p.Thr160Ile (NM_001197218.2, NM_001364602.2); c.305C>T, p.Thr102Ile (NM_001197219.2); c.281C>T, p.Thr94Ile (NM_001197220.2); c.458C>T, p.Thr153Ile (NM_001349241.2); c.341C>T, p.Thr114Ile (NM_001349242.2); c.-24C>T (NM_001349243.2, NM_001364604.1); c.-280C>T (NM_001364603.1); and 1 more; short protein forms T102I, T114I, T153I, T160I, T163I, T224I, T88I, T94I.
Identifiers: ClinVar variation 3895509 (VCV003895509.4).

ClinVar aggregate classification (germline): Conflicting classifications of pathogenicity. Review status: criteria provided, conflicting classifications (1 of 4 stars). 3 submissions from 3 submitters: Likely pathogenic (2); Uncertain significance (1). Last evaluated 2025-09-25.

Conditions:
Acrodysostosis 2 with or without hormone resistance. Also called: ACRODYSOSTOSIS 2 WITH HORMONE RESISTANCE; ACRODYSOSTOSIS 2 WITHOUT HORMONE RESISTANCE. Identifiers: Orphanet 280651, MedGen C3553250, MONDO:0013822, OMIM 614613.
Albright hereditary osteodystrophy, pseudohypoparathyroidism, pseudopseudohypoparathyroidism, acrodysostosis and osteoma cutis.

Submissions (3):

NHS Central & South Genomic Laboratory Hub
Classification: Likely pathogenic for Albright hereditary osteodystrophy, pseudohypoparathyroidism, pseudopseudohypoparathyroidism, acrodysostosis and osteoma cutis. Last evaluated: 2025-09-25. Review status: criteria provided, single submitter. Criteria: ACMG Guidelines, 2015. Collection method: clinical testing. Allele origin: germline. Affected: yes.

Dasa
Classification: Likely pathogenic. Last evaluated: 2024-05-31. Review status: criteria provided, single submitter. Criteria: DASA Assertion Criteria. Collection method: clinical testing. Allele origin: germline.
Comment: NM_001104631.2(PDE4D):c.671C>T (p.Thr224Ile) is a missense variant that results in the substitution of threonine with isoleucine. The affected residue or protein region has prior evidence supporting clinical relevance. This variant has been reported in individuals with PDE4D-related disorders. De novo occurrence has been reported in an individual with PDE4D-related disorders. Also, this variant is rare in population databases. Computational evidence supports a deleterious effect. Based on the currently available evidence, this variant is classified as likely pathogenic.

Neuberg Centre For Genomic Medicine, NCGM
Classification: Uncertain significance for Acrodysostosis 2 with or without hormone resistance. Last evaluated: 2024-02-01. Review status: criteria provided, single submitter. Criteria: ACMG Guidelines, 2015. Collection method: clinical testing. Allele origin: germline. Inheritance: Autosomal dominant inheritance. Affected: yes.
Comment: The above variant has been previously reported in individual(s) affected with Acrodysostosis type 2 (Mitsui T, et al., 2014). However, additional studies on multiple affected individuals and functional study are required to prove the pathogenicity of this variant.